The following is an entry in ClinVar:

ClinVar aggregate classification (germline): Benign. Review status: criteria provided, multiple submitters, no conflicts (2 of 4 stars). 3 submissions from 2 submitters: Benign (3). Last evaluated 2018-01-13.

Conditions:
Platelet-type bleeding disorder 9 (BDPLT9). Also called: GLYCOPROTEIN Ia DEFICIENCY; GP Ia DEFICIENCY; COLLAGEN PLATELET RECEPTOR DEFICIENCY. Identifiers: Orphanet 73271, Orphanet 98886, MedGen C3280114, MONDO:0013622, OMIM 614200.
Sulfite oxidase deficiency due to molybdenum cofactor deficiency type B1 (MOCODB1). Also called: MOLYBDENUM COFACTOR DEFICIENCY, TYPE B1; Molybdenum cofactor deficiency, complementation group B; Sulfite oxidase deficiency due to molybdenum cofactor deficiency type B; Molybdenum cofactor deficiency B. Identifiers: Orphanet 308393, Orphanet 833, MedGen C6065887, MONDO:0009644, OMIM 252160.

Allele frequency attached by ClinVar (database versions not stated): 1000 Genomes Project 0.10603; gnomAD 0.11377 and 0.11611; 1000 Genomes Project 30x 0.10634; TOPMed 0.11888.

Submissions (3):

Illumina Laboratory Services, Illumina
Classification: Benign for Platelet-type bleeding disorder 9. Last evaluated: 2018-01-13. Review status: criteria provided, single submitter. Criteria: ICSL Variant Classification Criteria 13 December 2019. Collection method: clinical testing. Allele origin: germline.
Comment: This variant was observed in the ICSL laboratory as part of a predisposition screen in an ostensibly healthy population. It had not been previously curated by ICSL or reported in the Human Gene Mutation Database (HGMD: prior to June 1st, 2018), and was therefore a candidate for classification through an automated scoring system. Utilizing variant allele frequency, disease prevalence and penetrance estimates, and inheritance mode, an automated score was calculated to assess if this variant is too frequent to cause the disease. Based on the score and internal cut-off values, a variant classified as benign is not then subjected to further curation. The score for this variant resulted in a classification of benign for this disease.

Illumina Laboratory Services, Illumina
Classification: Benign for Sulfite oxidase deficiency due to molybdenum cofactor deficiency type B1. Last evaluated: 2018-01-12. Review status: criteria provided, single submitter. Criteria: ICSL Variant Classification Criteria 13 December 2019. Collection method: clinical testing. Allele origin: germline.
Comment: the same text as in the submission from Illumina Laboratory Services, Illumina above.

Breakthrough Genomics
Classification: Benign. Review status: criteria provided, single submitter. Criteria: ACMG Guidelines, 2015. Collection method: not provided. Allele origin: germline. Inheritance: Autosomal recessive inheritance. Affected: yes.

NM_004531.5(MOCS2):c.*1872C>T

Genes: ITGA2 (integrin subunit alpha 2; plus strand), MOCS2 (molybdenum cofactor synthesis 2; minus strand). Cytogenetic location: 5q11.2.
Variant type: single nucleotide variant.
Coding change: c.*1872C>T on transcript NM_004531.5 (MANE Select); 1872 bases downstream of the stop codon, C replaced by T.
Molecular consequence: 3 prime UTR variant.
Genome position (GRCh38, 1-based): chr5:53,096,730, G>A on the plus strand (C>T on the coding strand, the complement: MOCS2 is on the minus strand). VCF-style: chr5-53096730-G-A. GRCh37 (hg19) VCF-style: chr5-52392560-G-A.
Other names: c.*2359C>T (NM_176806.4).
Identifiers: ClinVar variation 905690 (VCV000905690.7), dbSNP rs77227647, ClinGen allele CA118883127.